The following is an entry in ClinVar:

NM_030667.3(PTPRO):c.323C>A (p.Pro108Gln)

Gene: PTPRO (protein tyrosine phosphatase receptor type O; plus strand). Cytogenetic location: 12p12.3.
Variant type: single nucleotide variant.
Coding change: c.323C>A on transcript NM_030667.3 (MANE Select); coding-DNA position 323, C replaced by A.
Protein change: p.Pro108Gln; replaces proline 108 with glutamine.
Molecular consequence: missense variant.
Genome position (GRCh38, 1-based): chr12:15,484,221, C>A. VCF-style: chr12-15484221-C-A. GRCh37 (hg19) VCF-style: chr12-15637155-C-A.
Other names: c.323C>A, p.Pro108Gln (NM_002848.4); short protein forms P108Q.
Identifiers: ClinVar variation 3574426 (VCV003574426.3).

ClinVar aggregate classification (germline): Uncertain significance. Review status: criteria provided, multiple submitters, no conflicts (2 of 4 stars). 2 submissions from 2 submitters: Uncertain significance (2). Last evaluated 2024-09-20.

Conditions:
Nephrotic syndrome, type 6 (NPHS6). Identifiers: Orphanet 656, MedGen C3280100, MONDO:0013619, OMIM 614196.

gnomAD v4.1: 10 of 1,613,246 alleles (0.00062%); highest among the groups gnomAD compares: Non-Finnish European, 0.00085%; no homozygotes.

Submissions (2):

Labcorp Genetics (formerly Invitae), Labcorp
Classification: Uncertain significance. Last evaluated: 2024-09-20. Review status: criteria provided, single submitter. Criteria: Invitae Variant Classification Sherloc (09022015). Collection method: clinical testing. Allele origin: germline.
Comment: This sequence change replaces proline, which is neutral and non-polar, with glutamine, which is neutral and polar, at codon 108 of the PTPRO protein (p.Pro108Gln). This variant is present in population databases (rs749655272, gnomAD 0.0009%). This variant has not been reported in the literature in individuals affected with PTPRO-related conditions. An algorithm developed to predict the effect of missense changes on protein structure and function (PolyPhen-2) suggests that this variant is likely to be disruptive. In summary, the available evidence is currently insufficient to determine the role of this variant in disease. Therefore, it has been classified as a Variant of Uncertain Significance.

Fulgent Genetics
Classification: Uncertain significance for Nephrotic syndrome, type 6. Last evaluated: 2024-05-12. Review status: criteria provided, single submitter. Criteria: ACMG Guidelines, 2015. Collection method: clinical testing. Allele origin: germline.